The following is an entry in ClinVar:

ClinVar aggregate classification (germline): Uncertain significance. Review status: criteria provided, multiple submitters, no conflicts (2 of 4 stars). 3 submissions from 3 submitters: Uncertain significance (3). Last evaluated 2025-11-30.

Conditions:
Hereditary breast ovarian cancer syndrome. Also called: Hereditary breast and ovarian cancer; Hereditary breast and/or ovarian cancer syndrome; Hereditary breast and ovarian cancer syndrome; Hereditary breast and ovarian cancer syndrome (HBOC); BRCA1- and BRCA2-Associated Hereditary Breast and Ovarian Cancer; Breast and ovarian cancer. Identifiers: Orphanet 145, MedGen C0677776, MeSH D061325, MONDO:0003582. Disease mechanism: loss of function.
Hereditary cancer-predisposing syndrome. Also called: Tumor predisposition; Hereditary neoplastic syndrome; Neoplastic Syndromes, Hereditary; Hereditary Cancer Syndrome. Identifiers: Orphanet 140162, MedGen C0027672, MeSH D009386, MONDO:0015356.

Submissions (3):

Ambry Genetics
Classification: Uncertain significance for Hereditary cancer-predisposing syndrome. Last evaluated: 2025-11-30. Review status: criteria provided, single submitter. Criteria: Ambry Variant Classification Scheme 2023. Collection method: clinical testing. Allele origin: germline.
Comment: The p.K1459N variant (also known as c.4377A>T), located in coding exon 12 of the BRCA1 gene, results from an A to T substitution at nucleotide position 4377. The lysine at codon 1459 is replaced by asparagine, an amino acid with similar properties. This amino acid position is conserved. In addition, this alteration is predicted to be tolerated by in silico analysis. Based on the available evidence, the clinical significance of this variant remains unclear.

Color Diagnostics, LLC DBA Color Health
Classification: Uncertain significance for Hereditary cancer-predisposing syndrome. Last evaluated: 2022-05-16. Review status: criteria provided, single submitter. Criteria: ACMG Guidelines, 2015. Collection method: clinical testing. Allele origin: germline.
Comment: This missense variant replaces lysine with asparagine at codon 1459 of the BRCA1 protein. Computational prediction suggests that this variant may not impact protein structure and function (internally defined REVEL score threshold <= 0.5, PMID: 27666373). To our knowledge, functional studies have not been reported for this variant. This variant has not been reported in individuals affected with hereditary cancer in the literature. This variant has not been identified in the general population by the Genome Aggregation Database (gnomAD). The available evidence is insufficient to determine the role of this variant in disease conclusively. Therefore, this variant is classified as a Variant of Uncertain Significance.

Labcorp Genetics (formerly Invitae), Labcorp
Classification: Uncertain significance for Hereditary breast ovarian cancer syndrome. Last evaluated: 2021-08-24. Review status: criteria provided, single submitter. Criteria: Invitae Variant Classification Sherloc (09022015). Collection method: clinical testing. Allele origin: germline.
Comment: This sequence change replaces lysine with asparagine at codon 1459 of the BRCA1 protein (p.Lys1459Asn). The lysine residue is moderately conserved and there is a moderate physicochemical difference between lysine and asparagine. This variant is not present in population databases (ExAC no frequency). This variant has not been reported in the literature in individuals affected with BRCA1-related conditions. Algorithms developed to predict the effect of missense changes on protein structure and function output the following: SIFT: "Tolerated"; PolyPhen-2: "Benign"; Align-GVGD: "Class C0". The asparagine amino acid residue is found in multiple mammalian species, which suggests that this missense change does not adversely affect protein function. In summary, the available evidence is currently insufficient to determine the role of this variant in disease. Therefore, it has been classified as a Variant of Uncertain Significance.

NM_007294.4(BRCA1):c.4377A>T (p.Lys1459Asn)

Gene: BRCA1 (BRCA1 DNA repair associated; minus strand). Cytogenetic location: 17q21.31.
Variant type: single nucleotide variant.
Coding change: c.4377A>T on transcript NM_007294.4 (MANE Select); coding-DNA position 4377, A replaced by T.
Protein change: p.Lys1459Asn; replaces lysine 1459 with asparagine.
Molecular consequence: missense variant. On other transcripts: non-coding transcript variant (1).
Genome position (GRCh38, 1-based): chr17:43,076,595, T>A on the plus strand (A>T on the coding strand, the complement: BRCA1 is on the minus strand). VCF-style: chr17-43076595-T-A. GRCh37 (hg19) VCF-style: chr17-41228612-T-A.
Other names: c.4374A>T, p.Lys1458Asn (NM_001407618.1, NM_001407619.1, NM_001407620.1 and 17 more transcripts); c.4371A>T, p.Lys1457Asn (NM_001407627.1, NM_001407628.1, NM_001407629.1 and 14 more transcripts); c.4368A>T, p.Lys1456Asn (NM_001407644.1, NM_001407645.1); c.4365A>T, p.Lys1455Asn (NM_001407646.1); c.4362A>T, p.Lys1454Asn (NM_001407647.1); c.4320A>T, p.Lys1440Asn (NM_001407648.1); c.4317A>T, p.Lys1439Asn (NM_001407649.1); c.4377A>T, p.Lys1459Asn (NM_001407652.1, NM_001407684.1, NM_001407854.1 and 8 more transcripts); and 68 more; short protein forms K1459N, K1480N, K1412N, K355N, K1290N, K1330N, K1347N, K1348N.
Identifiers: ClinVar variation 952219 (VCV000952219.11), dbSNP rs2052743174, ClinGen allele CA10592786.